The following is an entry in ClinVar:

NM_004304.5(ALK):c.385G>A (p.Gly129Ser)

Gene: ALK (ALK receptor tyrosine kinase; minus strand). Cytogenetic location: 2p23.1.
Variant type: single nucleotide variant.
Coding change: c.385G>A on transcript NM_004304.5 (MANE Select); coding-DNA position 385, G replaced by A.
Protein change: p.Gly129Ser; replaces glycine 129 with serine.
Molecular consequence: missense variant.
Genome position (GRCh38, 1-based): chr2:29,920,275, C>T on the plus strand (G>A on the coding strand, the complement: ALK is on the minus strand). VCF-style: chr2-29920275-C-T. GRCh37 (hg19) VCF-style: chr2-30143141-C-T.
Other names: short protein forms G129S.
Identifiers: ClinVar variation 470853 (VCV000470853.11), dbSNP rs1553380334, ClinGen allele CA346590148.

ClinVar aggregate classification (germline): Uncertain significance. Review status: criteria provided, multiple submitters, no conflicts (2 of 4 stars). 3 submissions from 3 submitters: Uncertain significance (3). Last evaluated 2024-07-19.

Conditions:
Neuroblastoma, susceptibility to, 3. Also called: ALK-Related Neuroblastic Tumor Susceptibility. Identifiers: Orphanet 635, MedGen C2751681, MONDO:0013083, OMIM 613014.
Hereditary cancer-predisposing syndrome. Also called: Hereditary neoplastic syndrome; Neoplastic Syndromes, Hereditary; Tumor predisposition; Hereditary Cancer Syndrome. Identifiers: Orphanet 140162, MedGen C0027672, MeSH D009386, MONDO:0015356.

Submissions (3):

Labcorp Genetics (formerly Invitae), Labcorp
Classification: Uncertain significance for Neuroblastoma, susceptibility to, 3. Last evaluated: 2024-07-19. Review status: criteria provided, single submitter. Criteria: Invitae Variant Classification Sherloc (09022015). Collection method: clinical testing. Allele origin: germline.
Comment: This sequence change replaces glycine, which is neutral and non-polar, with serine, which is neutral and polar, at codon 129 of the ALK protein (p.Gly129Ser). This variant is not present in population databases (gnomAD no frequency). This variant has not been reported in the literature in individuals affected with ALK-related conditions. ClinVar contains an entry for this variant (Variation ID: 470853). An algorithm developed to predict the effect of missense changes on protein structure and function (PolyPhen-2) suggests that this variant is likely to be disruptive. In summary, the available evidence is currently insufficient to determine the role of this variant in disease. Therefore, it has been classified as a Variant of Uncertain Significance.

Ambry Genetics
Classification: Uncertain significance for Hereditary cancer-predisposing syndrome. Last evaluated: 2023-09-01. Review status: criteria provided, single submitter. Criteria: Ambry Variant Classification Scheme 2023. Collection method: clinical testing. Allele origin: germline.
Comment: The p.G129S variant (also known as c.385G>A), located in coding exon 1 of the ALK gene, results from a G to A substitution at nucleotide position 385. The glycine at codon 129 is replaced by serine, an amino acid with similar properties. This amino acid position is conserved. In addition, this alteration is predicted to be tolerated by in silico analysis. Since supporting evidence is limited at this time, the clinical significance of this alteration remains unclear.

GeneDx
Classification: Uncertain significance. Last evaluated: 2022-12-01. Review status: criteria provided, single submitter. Criteria: GeneDx Variant Classification Process June 2021. Collection method: clinical testing. Allele origin: germline. Affected: yes.
Comment: Not observed at significant frequency in large population cohorts (gnomAD); In silico analysis supports that this missense variant does not alter protein structure/function; Has not been previously published as pathogenic or benign to our knowledge